The following is an entry in ClinVar:

ClinVar aggregate classification (germline): Likely pathogenic (1 of 4 stars; one submission).

Conditions:
Deficiency of UDPglucose-hexose-1-phosphate uridylyltransferase. Also called: GALT deficiency; Galactosemia, classic; GALACTOSEMIA I; GALACTOSE-1-PHOSPHATE URIDYLYLTRANSFERASE DEFICIENCY; Transferase Deficiency Galactosemia. Identifiers: Orphanet 352, Orphanet 79239, MedGen C0268151, MONDO:0009258, OMIM 230400.

Submission:

Labcorp Genetics (formerly Invitae), Labcorp
Classification: Likely pathogenic for Deficiency of UDPglucose-hexose-1-phosphate uridylyltransferase. Last evaluated: 2024-06-19. Review status: criteria provided, single submitter. Criteria: Invitae Variant Classification Sherloc (09022015). Collection method: clinical testing. Allele origin: germline.
Comment: This sequence change replaces tyrosine, which is neutral and polar, with cysteine, which is neutral and slightly polar, at codon 34 of the GALT protein (p.Tyr34Cys). This variant is not present in population databases (gnomAD no frequency). This variant has not been reported in the literature in individuals affected with GALT-related conditions. Advanced modeling of protein sequence and biophysical properties (such as structural, functional, and spatial information, amino acid conservation, physicochemical variation, residue mobility, and thermodynamic stability) performed at Invitae indicates that this missense variant is expected to disrupt GALT protein function with a positive predictive value of 95%. This variant disrupts the p.Tyr34 amino acid residue in GALT. Other variant(s) that disrupt this residue have been determined to be pathogenic (PMID: 22461411, 25592817). This suggests that this residue is clinically significant, and that variants that disrupt this residue are likely to be disease-causing. In summary, the currently available evidence indicates that the variant is pathogenic, but additional data are needed to prove that conclusively. Therefore, this variant has been classified as Likely Pathogenic.

Literature cited by the submitters: PubMed 22461411; PubMed 25592817.

NM_000155.4(GALT):c.101A>G (p.Tyr34Cys)

Genes: GALT (galactose-1-phosphate uridylyltransferase; plus strand), LOC130001683 (ATAC-STARR-seq lymphoblastoid active region 28314; plus strand). Cytogenetic location: 9p13.3.
Variant type: single nucleotide variant.
Coding change: c.101A>G on transcript NM_000155.4 (MANE Select); coding-DNA position 101, A replaced by G.
Protein change: p.Tyr34Cys; replaces tyrosine 34 with cysteine.
Molecular consequence: missense variant. On other transcripts: 5 prime UTR variant (1).
Genome position (GRCh38, 1-based): chr9:34,647,107, A>G. VCF-style: chr9-34647107-A-G. GRCh37 (hg19) VCF-style: chr9-34647104-A-G.
Other names: c.-102A>G (NM_001258332.2); short protein forms Y34C.
Identifiers: ClinVar variation 3655237 (VCV003655237.2).
Genomic context (GRCh38, chr9:34,647,107, plus strand): 5'-GCTAGAGAGCTCTGAGGACTGATCTTGACTGTCTGCCCCCAGACCATCAGCATATCCGCT[A>G]CAACCCGCTGCAGGATGAGTGGGTGCTGGTGTCAGCTCACCGCATGAAGCGGCCCTGGCA-3'
Protein context (NP_000146.2, residues 24-44): FRANDHQHIR[Tyr34Cys]NPLQDEWVLV